The following is an entry in ClinVar:

NM_206933.4(USH2A):c.1428_1429del (p.Gln477fs)

Gene: USH2A (usherin; minus strand). Cytogenetic location: 1q41.
Variant type: Deletion.
Coding change: c.1428_1429del on transcript NM_206933.4 (MANE Select); coding-DNA positions 1428 to 1429, 2 bases deleted (TC; older notation c.1428_1429delTC).
Protein change: p.Gln477fs; shifts the reading frame from glutamine 477.
Molecular consequence: frameshift variant.
Genome position (GRCh38, 1-based): chr1:216,323,595-216,323,596, GA deleted on the plus strand (TC on the coding strand, the reverse complement: USH2A is on the minus strand). VCF-style (leftmost placement, unchanged base first): chr1-216323594-TGA-T. GRCh37 (hg19) VCF-style: chr1-216496936-TGA-T.
Other names: c.1428_1429del, p.Gln477fs (NM_007123.6); short protein forms Q477fs.
Identifiers: ClinVar variation 1725606 (VCV001725606.2), dbSNP rs2527434028, ClinGen allele CA2580062217.

ClinVar aggregate classification (germline): Likely pathogenic (1 of 4 stars; one submission).

Conditions:
Usher syndrome type 2A. Also called: RETINAL DISEASE IN USHER SYNDROME TYPE IIA, MODIFIER OF; USHER SYNDROME, TYPE IIA. Identifiers: Orphanet 231178, Orphanet 886, MedGen C1848634, MONDO:0010169, OMIM 276901.

Submission:

Myriad Genetics, Inc.
Classification: Likely pathogenic for Usher syndrome type 2A. Last evaluated: 2022-03-30. Review status: criteria provided, single submitter. Criteria: Myriad Women's Health Autosomal Recessive and X-Linked Classification Criteria (2021). Collection method: clinical testing. Allele origin: unknown.
Comment: NM_206933.2(USH2A):c.1428_1429delTC(Q477Rfs*20) is expected to be pathogenic in the context of USH2A-related disorders. This variant is predicted to lead to an abnormal or absent protein product due to the creation of a premature termination codon in USH2A, a gene where loss-of-function variants are known to be pathogenic. Please note: this variant was assessed in the context of healthy population screening.